The following is an entry in ClinVar:

NM_001458.5(FLNC):c.6515A>G (p.Glu2172Gly)

Genes: FLNC (filamin C; plus strand), FLNC-AS1 (FLNC antisense RNA 1; minus strand). Cytogenetic location: 7q32.1.
Variant type: single nucleotide variant.
Coding change: c.6515A>G on transcript NM_001458.5 (MANE Select); coding-DNA position 6515, A replaced by G.
Protein change: p.Glu2172Gly; replaces glutamic acid 2172 with glycine.
Molecular consequence: missense variant.
Genome position (GRCh38, 1-based): chr7:128,854,004, A>G. VCF-style: chr7-128854004-A-G. GRCh37 (hg19) VCF-style: chr7-128494058-A-G.
Other names: c.6416A>G, p.Glu2139Gly (NM_001127487.2); short protein forms E2139G, E2172G.
Identifiers: ClinVar variation 4871468 (VCV004871468.1).

ClinVar aggregate classification (germline): Uncertain significance (1 of 4 stars; one submission).

Conditions:
Cardiovascular phenotype. Identifiers: MedGen CN230736.

Submission:

Ambry Genetics
Classification: Uncertain significance for Cardiovascular phenotype. Last evaluated: 2026-05-28. Review status: criteria provided, single submitter. Criteria: Ambry Variant Classification Scheme 2023. Collection method: clinical testing. Allele origin: germline.
Comment: The p.E2172G variant (also known as c.6515A>G), located in coding exon 40 of the FLNC gene, results from an A to G substitution at nucleotide position 6515. The glutamic acid at codon 2172 is replaced by glycine, an amino acid with similar properties. This amino acid position is conserved. In addition, the in silico prediction for this alteration is inconclusive. Based on the available evidence, the clinical significance of this variant remains unclear.